The following is an entry in ClinVar:

ClinVar aggregate classification (germline): Pathogenic. Review status: criteria provided, multiple submitters, no conflicts (2 of 4 stars). 2 submissions from 2 submitters: Pathogenic (2). Last evaluated 2023-04-17.

Conditions:
Sandhoff disease. Also called: Beta-hexosaminidase-beta-subunit deficiency; GM2 gangliosidosis, type 2; Total hexosaminidase deficiency; Sandhoff-Jatzkewitz-Pilz disease; GM2-GANGLIOSIDOSIS, TYPE II; HEXOSAMINIDASES A AND B DEFICIENCY. Identifiers: Orphanet 796, MedGen C0036161, MONDO:0010006, OMIM 268800.

Submissions (2):

Labcorp Genetics (formerly Invitae), Labcorp
Classification: Pathogenic for Sandhoff disease. Last evaluated: 2023-04-17. Review status: criteria provided, single submitter. Criteria: Invitae Variant Classification Sherloc (09022015). Collection method: clinical testing. Allele origin: germline.
Comment: For these reasons, this variant has been classified as Pathogenic. ClinVar contains an entry for this variant (Variation ID: 1012509). This variant has not been reported in the literature in individuals affected with HEXB-related conditions. This variant is not present in population databases (gnomAD no frequency). This sequence change creates a premature translational stop signal (p.His294Ilefs*13) in the HEXB gene. It is expected to result in an absent or disrupted protein product. Loss-of-function variants in HEXB are known to be pathogenic (PMID: 7550345, 18758829).

CeGaT Center for Human Genetics Tuebingen
Classification: Pathogenic. Last evaluated: 2020-07-01. Review status: criteria provided, single submitter. Criteria: CeGaT Center For Human Genetics Tuebingen Variant Classification Criteria Version 2. Collection method: clinical testing. Allele origin: germline. Affected: yes. Observed: 1 variant allele.

Literature cited by the submitters: PubMed 7550345 (cited by Labcorp Genetics (formerly Invitae), Labcorp); PubMed 18758829 (cited by Labcorp Genetics (formerly Invitae), Labcorp).

NM_000521.4(HEXB):c.876del (p.His294fs)

Gene: HEXB (hexosaminidase subunit beta; plus strand). Cytogenetic location: 5q13.3.
Variant type: Deletion.
Coding change: c.876del on transcript NM_000521.4 (MANE Select); coding-DNA position 876, one base deleted (T; older notation c.876delT).
Protein change: p.His294fs; shifts the reading frame from histidine 294.
Molecular consequence: frameshift variant.
Genome position (GRCh38, 1-based): chr5:74,713,610, T deleted. VCF-style (leftmost placement, unchanged base first): chr5-74713609-CT-C. GRCh37 (hg19) VCF-style: chr5-74009434-CT-C.
Other names: c.201del, p.His69fs (NM_001292004.2); short protein forms H294fs, H69fs.
Identifiers: ClinVar variation 1012509 (VCV001012509.43), dbSNP rs1749604779, ClinGen allele CA1555776807.